The following is an entry in ClinVar:

NM_014264.5(PLK4):c.2464G>A (p.Val822Met)

Gene: PLK4 (polo like kinase 4; plus strand). Cytogenetic location: 4q28.1.
Variant type: single nucleotide variant.
Coding change: c.2464G>A on transcript NM_014264.5 (MANE Select); coding-DNA position 2464, G replaced by A.
Protein change: p.Val822Met; replaces valine 822 with methionine.
Molecular consequence: missense variant.
Genome position (GRCh38, 1-based): chr4:127,893,783, G>A. VCF-style: chr4-127893783-G-A. GRCh37 (hg19) VCF-style: chr4-128814938-G-A.
Other names: c.2464G>A (NM_014264.4); c.2368G>A, p.Val790Met (NM_001190799.2); c.2341G>A, p.Val781Met (NM_001190801.2); short protein forms V790M, V822M, V781M.
Identifiers: ClinVar variation 1481161 (VCV001481161.7), dbSNP rs368912510, ClinGen allele CA3077069.

ClinVar aggregate classification (germline): Uncertain significance. Review status: criteria provided, multiple submitters, no conflicts (2 of 4 stars). 2 submissions from 2 submitters: Uncertain significance (2). Last evaluated 2024-02-17.

Conditions:
Inborn genetic diseases. Identifiers: MedGen C0950123, MeSH D030342.

Allele frequency attached by ClinVar (database versions not stated): gnomAD exomes below 0.00001; ExAC 0.00001; gnomAD 0.00001; ESP Exome Variant Server 0.00015.
gnomAD v4.1: 7 of 1,613,228 alleles (0.00043%); highest among the groups gnomAD compares: African/African-American, 0.0013%; no homozygotes.

Submissions (2):

Labcorp Genetics (formerly Invitae), Labcorp
Classification: Uncertain significance. Last evaluated: 2024-02-17. Review status: criteria provided, single submitter. Criteria: Invitae Variant Classification Sherloc (09022015). Collection method: clinical testing. Allele origin: germline.
Comment: This sequence change replaces valine, which is neutral and non-polar, with methionine, which is neutral and non-polar, at codon 822 of the PLK4 protein (p.Val822Met). This variant is present in population databases (rs368912510, gnomAD 0.0009%). This variant has not been reported in the literature in individuals affected with PLK4-related conditions. ClinVar contains an entry for this variant (Variation ID: 1481161). Algorithms developed to predict the effect of missense changes on protein structure and function output the following: SIFT: "Not Available"; PolyPhen-2: "Benign"; Align-GVGD: "Not Available". The methionine amino acid residue is found in multiple mammalian species, which suggests that this missense change does not adversely affect protein function. In summary, the available evidence is currently insufficient to determine the role of this variant in disease. Therefore, it has been classified as a Variant of Uncertain Significance.

Ambry Genetics
Classification: Uncertain significance for Inborn genetic diseases. Last evaluated: 2021-01-27. Review status: criteria provided, single submitter. Criteria: Ambry Variant Classification Scheme 2023. Collection method: clinical testing. Allele origin: germline.
Comment: The c.2464G>A (p.V822M) alteration is located in exon 13 (coding exon 13) of the PLK4 gene. This alteration results from a G to A substitution at nucleotide position 2464, causing the valine (V) at amino acid position 822 to be replaced by a methionine (M). The p.V822M alteration is predicted to be tolerated by in silico analysis. Based on insufficient or conflicting evidence, the clinical significance of this alteration remains unclear.